The following is an entry in ClinVar:

NM_001205293.3(CACNA1E):c.3970G>A (p.Asp1324Asn)

Gene: CACNA1E (calcium voltage-gated channel subunit alpha1 E; plus strand). Cytogenetic location: 1q25.3.
Variant type: single nucleotide variant.
Coding change: c.3970G>A on transcript NM_001205293.3 (MANE Select); coding-DNA position 3970, G replaced by A.
Protein change: p.Asp1324Asn; replaces aspartic acid 1324 with asparagine.
Molecular consequence: missense variant.
Genome position (GRCh38, 1-based): chr1:181,755,378, G>A. VCF-style: chr1-181755378-G-A. GRCh37 (hg19) VCF-style: chr1-181724514-G-A.
Other names: c.3970G>A, p.Asp1324Asn (NM_000721.4); c.3913G>A, p.Asp1305Asn (NM_001205294.2); short protein forms D1324N, D1305N.
Identifiers: ClinVar variation 4991350 (VCV004991350.1).
Genomic context (GRCh38, chr1:181,755,378, plus strand): 5'-GCTGTCATCGCAGTTCAGCTCTTCAAGGGAAAGTTCTTTTATTGCACGGACAGTTCCAAG[G>A]ACACAGAGAAGGAGTGCATGTAAGTGCCACCAGCGCATTCCACTTGATTTTGCTGAAGCA-3'
Protein context (NP_001192222.1, residues 1314-1334): KFFYCTDSSK[Asp1324Asn]TEKECIGNYV

ClinVar aggregate classification (germline): Uncertain significance (1 of 4 stars; one submission).

Conditions:
CACNA1E-related disorder. Also called: CACNA1E-related condition.

gnomAD v4.1: 1 of 1,613,768 alleles (0.000062%); highest among the groups gnomAD compares: Non-Finnish European, 0.000085%; no homozygotes.

Submission:

PreventionGenetics, part of Exact Sciences
Classification: Uncertain significance for CACNA1E-related condition. Last evaluated: 2025-11-18. Review status: criteria provided, single submitter. Criteria: ACMG Guidelines, 2015. Collection method: clinical testing. Allele origin: germline.
Comment: The CACNA1E c.3970G>A variant is predicted to result in the amino acid substitution p.Asp1324Asn. To our knowledge, this variant has not been reported in the literature or in a large population database (gnomAD), indicating this variant is rare. At this time, the clinical significance of this variant is uncertain due to the absence of conclusive functional and genetic evidence.